The following is an entry in ClinVar:

ClinVar aggregate classification (germline): Uncertain significance. Review status: criteria provided, multiple submitters, no conflicts (2 of 4 stars). 2 submissions from 2 submitters: Uncertain significance (2). Last evaluated 2025-10-21.

Conditions:
Bethlem myopathy 1A. Also called: MYOPATHY, BENIGN CONGENITAL, WITH CONTRACTURES; Bethlem myopathy 1; Bethlem Muscular Dystrophy. Identifiers: Orphanet 610, MedGen CN029274, MONDO:0024530, OMIM 158810.

Submissions (2):

Labcorp Genetics (formerly Invitae), Labcorp
Classification: Uncertain significance for Bethlem myopathy 1A. Last evaluated: 2025-10-21. Review status: criteria provided, single submitter. Criteria: Invitae Variant Classification Sherloc (09022015). Collection method: clinical testing. Allele origin: germline.
Comment: This sequence change replaces valine, which is neutral and non-polar, with leucine, which is neutral and non-polar, at codon 2398 of the COL6A3 protein (p.Val2398Leu). This variant is not present in population databases (gnomAD no frequency). This variant has not been reported in the literature in individuals affected with COL6A3-related conditions. ClinVar contains an entry for this variant (Variation ID: 2501928). Invitae Evidence Modeling of protein sequence and biophysical properties (such as structural, functional, and spatial information, amino acid conservation, physicochemical variation, residue mobility, and thermodynamic stability) indicates that this missense variant is not expected to disrupt COL6A3 protein function with a negative predictive value of 80%. In summary, the available evidence is currently insufficient to determine the role of this variant in disease. Therefore, it has been classified as a Variant of Uncertain Significance.

GeneDx
Classification: Uncertain significance. Last evaluated: 2022-11-15. Review status: criteria provided, single submitter. Criteria: GeneDx Variant Classification Process June 2021. Collection method: clinical testing. Allele origin: germline. Affected: yes.
Comment: Not observed at significant frequency in large population cohorts (gnomAD); In silico analysis supports that this missense variant does not alter protein structure/function; Has not been previously published as pathogenic or benign to our knowledge

NM_004369.4(COL6A3):c.7192G>C (p.Val2398Leu)

Gene: COL6A3 (collagen type VI alpha 3 chain; minus strand). Cytogenetic location: 2q37.3.
Variant type: single nucleotide variant.
Coding change: c.7192G>C on transcript NM_004369.4 (MANE Select); coding-DNA position 7192, G replaced by C.
Protein change: p.Val2398Leu; replaces valine 2398 with leucine.
Molecular consequence: missense variant.
Genome position (GRCh38, 1-based): chr2:237,344,826, C>G on the plus strand (G>C on the coding strand, the complement: COL6A3 is on the minus strand). VCF-style: chr2-237344826-C-G. GRCh37 (hg19) VCF-style: chr2-238253469-C-G.
Other names: c.5371G>C, p.Val1791Leu (NM_057166.5); c.6574G>C, p.Val2192Leu (NM_057167.4); short protein forms V1791L, V2192L, V2398L.
Identifiers: ClinVar variation 2501928 (VCV002501928.2), dbSNP rs375640580, ClinGen allele CA351204709.
Genomic context (GRCh38, chr2:237,344,826, plus strand): 5'-AAGTGTCTTGGTTGACTCCCTCAGAGGTGTCTAAAGCAAAGGCTAGTTCTGTTGGGAAGA[C>G]GGGGCACTCCAGGGGCCCTGTGGAAAGTAGAGGGTGGAGGGTTAAAGACAAACTGTACTT-3'
Protein context (NP_004360.2, residues 2388-2408): PCCYGPLECP[Val2398Leu]FPTELAFALD